The following is an entry in ClinVar:

ClinVar aggregate classification (germline): Likely pathogenic (1 of 4 stars; one submission).

Conditions:
Hereditary cancer-predisposing syndrome. Also called: Hereditary Cancer Syndrome; Tumor predisposition; Hereditary neoplastic syndrome; Neoplastic Syndromes, Hereditary. Identifiers: Orphanet 140162, MedGen C0027672, MeSH D009386, MONDO:0015356.

Submission:

Ambry Genetics
Classification: Likely pathogenic for Hereditary cancer-predisposing syndrome. Last evaluated: 2024-11-14. Review status: criteria provided, single submitter. Criteria: Ambry Variant Classification Scheme 2023. Collection method: clinical testing. Allele origin: germline.
Comment: The c.3859_3872dup14 variant, located in coding exon 9 of the MSH6 gene, results from a duplication of TATAAATTCATTAA at nucleotide position 3859, causing a translational frameshift with a predicted alternate stop codon (p.K1291Nfs*41). This alteration occurs at the 3' terminus of theMSH6 gene, is not expected to trigger nonsense-mediated mRNA decay, and only impacts the last 5% of the protein. However, premature stop codons are typically deleterious in nature and the impacted region is critical for protein function (Ambry internal data). This variant is considered to be rare based on population cohorts in the Genome Aggregation Database (gnomAD). Based on the majority of available evidence to date, this variant is likely to be pathogenic.

NM_000179.3(MSH6):c.3859_3872dup (p.Lys1291fs)

Gene: MSH6 (mutS homolog 6; plus strand). Cytogenetic location: 2p16.3.
Variant type: Duplication.
Coding change: c.3859_3872dup on transcript NM_000179.3 (MANE Select); coding-DNA positions 3859 to 3872, 14 bases duplicated (TATAAATTCATTAA).
Protein change: p.Lys1291fs; shifts the reading frame from lysine 1291.
Molecular consequence: frameshift variant. On other transcripts: nonsense (1), non-coding transcript variant (5), intron variant (1).
Genome position (GRCh38, 1-based): chr2:47,806,509-47,806,522, TATAAATTCATTAA duplicated. VCF-style (leftmost placement, unchanged base first): chr2-47806508-C-CTATAAATTCATTAA. GRCh37 (hg19) VCF-style: chr2-48033647-C-CTATAAATTCATTAA.
Other names: c.3469_3482dup, p.Lys1161fs (NM_001281492.2); c.2953_2966dup, p.Lys989fs (NM_001281493.2, NM_001281494.2, NM_001406811.1 and 6 more transcripts); c.3955_3968dup, p.Lys1323fs (NM_001406795.1); c.3859_3872dup, p.Lys1291fs (NM_001406796.1, NM_001406808.1, NM_001406809.1); c.3562_3575dup, p.Lys1192fs (NM_001406797.1, NM_001406801.1, NM_001406805.1 and 10 more transcripts); c.3685_3698dup, p.Lys1233fs (NM_001406798.1); c.3334_3347dup, p.Lys1116fs (NM_001406799.1, NM_001406806.1, NM_001406807.1); c.3846_3859dup, p.Arg1287delinsIleTer (NM_001406800.1); and 10 more; short protein forms K218fs, K769fs, K1233fs, K1265fs, K1003fs, K1161fs, K1192fs, K1235fs.
Identifiers: ClinVar variation 3398949 (VCV003398949.1).